The following is an entry in ClinVar:

NM_004006.3(DMD):c.187-5C>T

Gene: DMD (dystrophin; minus strand). Cytogenetic location: Xp21.1.
Variant type: single nucleotide variant.
Coding change: c.187-5C>T on transcript NM_004006.3 (MANE Select); 5 bases into the intron before coding-DNA position 187, C replaced by T.
Molecular consequence: intron variant.
Genome position (GRCh38, 1-based): chrX:32,844,865, G>A on the plus strand (C>T on the coding strand, the complement: DMD is on the minus strand). VCF-style: chrX-32844865-G-A. GRCh37 (hg19) VCF-style: chrX-32862982-G-A.
Other names: c.163-5C>T (NM_000109.4); c.175-5C>T (NM_004009.3); c.-183-5C>T (NM_004010.3).
Identifiers: ClinVar variation 4066205 (VCV004066205.3).
Genomic context (GRCh38, chrX:32,844,865, plus strand): 5'-AGTGCCTTGTTGACATTGTTCAGGGCATGAACTCTTGTGGATCCTTTTTCTTTTGGCTGA[G>A]AACAAAACAAAAGAGTGTTCACTGACCAGCAGAGAGACCGACAATCTACTAGAAATGAAA-3'

ClinVar aggregate classification (germline): Conflicting classifications of pathogenicity. Review status: criteria provided, conflicting classifications (1 of 4 stars). 3 submissions from 3 submitters: Uncertain significance (1); Likely benign (1). 1 of the submissions does not count toward it. Last evaluated 2025-08-12.

Conditions:
Cardiovascular phenotype. Identifiers: MedGen CN230736.
Becker muscular dystrophy, Cardiomyopathy, Duchenne muscular dystrophy, Dystrophin deficiency.
Duchenne muscular dystrophy (DMD). Also called: Duchenne Muscular Dystrophy (DMD); MUSCULAR DYSTROPHY, PSEUDOHYPERTROPHIC PROGRESSIVE, DUCHENNE TYPE. Identifiers: Orphanet 98896, MedGen C0013264, MONDO:0010679, OMIM 310200.

Submissions (3):

Ambry Genetics
Classification: Uncertain significance for Cardiovascular phenotype. Last evaluated: 2025-08-12. Review status: criteria provided, single submitter. Criteria: Ambry Variant Classification Scheme 2023. Collection method: clinical testing. Allele origin: germline.
Comment: The c.187-5C>T intronic variant results from a C to T substitution 5 nucleotides upstream from coding exon 4 in the DMD gene. This nucleotide position is poorly conserved in available vertebrate species. In silico splice site analysis predicts that this alteration will not have any significant effect on splicing. Based on the available evidence, the clinical significance of this variant remains unclear.

Labcorp Genetics (formerly Invitae), Labcorp
Classification: Likely benign for Duchenne muscular dystrophy. Last evaluated: 2025-08-12. Review status: criteria provided, single submitter. Criteria: Invitae Variant Classification Sherloc (09022015). Collection method: clinical testing. Allele origin: germline.

Natera, Inc.
Classification: Uncertain significance for Becker muscular dystrophy, Cardiomyopathy, Duchenne muscular dystrophy, Dystrophin deficiency. Last evaluated: 2025-04-03. Review status: no assertion criteria provided. Collection method: clinical testing. Allele origin: germline. Not counted in ClinVar's aggregate classification.